The following is an entry in ClinVar:

NM_001082486.2(ACD):c.421G>C (p.Asp141His)

Gene: ACD (ACD shelterin complex subunit and telomerase recruitment factor; minus strand). Cytogenetic location: 16q22.1.
Variant type: single nucleotide variant.
Coding change: c.421G>C on transcript NM_001082486.2 (MANE Select); coding-DNA position 421, G replaced by C.
Protein change: p.Asp141His; replaces aspartic acid 141 with histidine.
Molecular consequence: missense variant.
Genome position (GRCh38, 1-based): chr16:67,659,412, C>G on the plus strand (G>C on the coding strand, the complement: ACD is on the minus strand). VCF-style: chr16-67659412-C-G. GRCh37 (hg19) VCF-style: chr16-67693315-C-G.
Other names: c.421G>C, p.Asp141His (NM_001410884.1); c.412G>C, p.Asp138His (NM_022914.3); short protein forms D141H, D138H.
Identifiers: ClinVar variation 2447157 (VCV002447157.2), dbSNP rs2543606889, ClinGen allele CA396354968.

ClinVar aggregate classification (germline): Uncertain significance (1 of 4 stars; one submission).

Conditions:
Inborn genetic diseases. Identifiers: MedGen C0950123, MeSH D030342.

Allele frequency attached by ClinVar (database versions not stated): gnomAD exomes below 0.00001.
gnomAD v4.1: 1 of 1,614,052 alleles (0.000062%); highest among the groups gnomAD compares: Non-Finnish European, 0.000085%; no homozygotes.

Submission:

Ambry Genetics
Classification: Uncertain significance for Inborn genetic diseases. Last evaluated: 2023-01-27. Review status: criteria provided, single submitter. Criteria: Ambry Variant Classification Scheme 2023. Collection method: clinical testing. Allele origin: germline.
Comment: The p.D227H variant (also known as c.679G>C), located in coding exon 5 of the ACD gene, results from a G to C substitution at nucleotide position 679. The aspartic acid at codon 227 is replaced by histidine, an amino acid with similar properties. This amino acid position is conserved. In addition, the in silico prediction for this alteration is inconclusive. Since supporting evidence is limited at this time, the clinical significance of this alteration remains unclear.